The following is an entry in ClinVar:

NM_000238.4(KCNH2):c.1475A>T (p.His492Leu)

Gene: KCNH2 (potassium voltage-gated channel subfamily H member 2; minus strand). Cytogenetic location: 7q36.1.
Variant type: single nucleotide variant.
Coding change: c.1475A>T on transcript NM_000238.4 (MANE Select); coding-DNA position 1475, A replaced by T.
Protein change: p.His492Leu; replaces histidine 492 with leucine.
Molecular consequence: missense variant.
Genome position (GRCh38, 1-based): chr7:150,952,507, T>A on the plus strand (A>T on the coding strand, the complement: KCNH2 is on the minus strand). VCF-style: chr7-150952507-T-A. GRCh37 (hg19) VCF-style: chr7-150649595-T-A.
Other names: c.455A>T, p.His152Leu (NM_001204798.2, NM_172057.3); c.1187A>T, p.His396Leu (NM_001406753.1, NM_001406756.1); c.1298A>T, p.His433Leu (NM_001406755.1); c.1175A>T, p.His392Leu (NM_001406757.1); c.1475A>T, p.His492Leu (NM_172056.3); short protein forms H492L, H152L, H396L, H392L, H433L.
Identifiers: ClinVar variation 581371 (VCV000581371.9), dbSNP rs1563160015, ClinGen allele CA369859683.
Genomic context (GRCh38, chr7:150,952,507, plus strand): 5'-ATGAGCAGGTCGAAGGGGATGGCGGCCACCATGTCGATGAGGAACCAGCCCTTGAAGTAG[T>A]GGACGGCGATGCGGCCGGGGTGGCTGACCACCTCCTCGTTGGCATTGACGTAGGTGGTGC-3'
Protein context (NP_000229.1, residues 482-502): VVSHPGRIAV[His492Leu]YFKGWFLIDM

ClinVar aggregate classification (germline): Uncertain significance (1 of 4 stars; one submission).

Conditions:
Long QT syndrome (LQTS). Identifiers: MedGen C0023976, MeSH D008133, MONDO:0002442. Disease mechanism: loss of function. Inheritance: Various modes of inheritance.

Submission:

Labcorp Genetics (formerly Invitae), Labcorp
Classification: Uncertain significance for Long QT syndrome. Last evaluated: 2018-06-08. Review status: criteria provided, single submitter. Criteria: Invitae Variant Classification Sherloc (09022015). Collection method: clinical testing. Allele origin: germline.
Comment: This sequence change replaces histidine with leucine at codon 492 of the KCNH2 protein (p.His492Leu). The histidine residue is highly conserved and there is a moderate physicochemical difference between histidine and leucine. This variant is not present in population databases (ExAC no frequency). This variant has not been reported in the literature in individuals with KCNH2-related disease. Algorithms developed to predict the effect of missense changes on protein structure and function (SIFT, PolyPhen-2, Align-GVGD) all suggest that this variant is likely to be disruptive, but these predictions have not been confirmed by published functional studies and their clinical significance is uncertain. In summary, the available evidence is currently insufficient to determine the role of this variant in disease. Therefore, it has been classified as a Variant of Uncertain Significance.